The following is an entry in ClinVar:

ClinVar aggregate classification (germline): Uncertain significance. Review status: criteria provided, multiple submitters, no conflicts (2 of 4 stars). 2 submissions from 2 submitters: Uncertain significance (2). Last evaluated 2023-12-08.

Conditions:
Hemolytic anemia due to glucophosphate isomerase deficiency (CNSHA4). Also called: ANEMIA, CONGENITAL, NONSPHEROCYTIC HEMOLYTIC, 4. Identifiers: Orphanet 712, MedGen C0272064, MONDO:0013275, OMIM 613470.

Allele frequency attached by ClinVar (database versions not stated): ExAC 0.00001; 1000 Genomes Project 30x 0.00016; 1000 Genomes Project 0.00020; TOPMed 0.00001; gnomAD 0.00001; gnomAD exomes 0.00001.
gnomAD v4.1: 9 of 1,614,064 alleles (0.00056%); highest among the groups gnomAD compares: Middle Eastern, 0.016%; no homozygotes.

Submissions (2):

GeneDx
Classification: Uncertain significance. Last evaluated: 2023-12-08. Review status: criteria provided, single submitter. Criteria: GeneDx Variant Classification Process June 2021. Collection method: clinical testing. Allele origin: germline. Affected: yes.
Comment: In silico analysis supports that this missense variant has a deleterious effect on protein structure/function; Has not been previously published as pathogenic or benign to our knowledge

Baylor Genetics
Classification: Uncertain significance for Hemolytic anemia due to glucophosphate isomerase deficiency. Last evaluated: 2019-11-11. Review status: criteria provided, single submitter. Criteria: ACMG Guidelines, 2015. Collection method: clinical testing. Allele origin: unknown. Affected: yes.
Comment: This variant was determined to be of uncertain significance according to ACMG Guidelines, 2015 [PMID:25741868].

NM_000175.5(GPI):c.640A>G (p.Thr214Ala)

Gene: GPI (glucose-6-phosphate isomerase; plus strand). Cytogenetic location: 19q13.11.
Variant type: single nucleotide variant.
Coding change: c.640A>G on transcript NM_000175.5 (MANE Select); coding-DNA position 640, A replaced by G.
Protein change: p.Thr214Ala; replaces threonine 214 with alanine.
Molecular consequence: missense variant.
Genome position (GRCh38, 1-based): chr19:34,378,940, A>G. VCF-style: chr19-34378940-A-G. GRCh37 (hg19) VCF-style: chr19-34869845-A-G.
Other names: c.673A>G, p.Thr225Ala (NM_001184722.1); c.757A>G, p.Thr253Ala (NM_001289789.1); c.556A>G, p.Thr186Ala (NM_001289790.3); c.640A>G, p.Thr214Ala (NM_001329909.1, NM_001329910.1, NM_001329911.2); short protein forms T214A, T253A, T186A, T225A.
Identifiers: ClinVar variation 1029693 (VCV001029693.2), dbSNP rs536683131, ClinGen allele CA9367149.